The following is an entry in ClinVar:

NM_006947.4(SRP72):c.110-2A>G

Gene: SRP72 (signal recognition particle 72; plus strand). Cytogenetic location: 4q12.
Variant type: single nucleotide variant.
Coding change: c.110-2A>G on transcript NM_006947.4 (MANE Select); the canonical splice acceptor site of the intron before coding-DNA position 110, A replaced by G.
Molecular consequence: splice acceptor variant.
Genome position (GRCh38, 1-based): chr4:56,469,651, A>G. VCF-style: chr4-56469651-A-G. GRCh37 (hg19) VCF-style: chr4-57335817-A-G.
Other names: c.110-2A>G (NM_001267722.2).
Identifiers: ClinVar variation 1950775 (VCV001950775.5), dbSNP rs2545744859, ClinGen allele CA356995725.

ClinVar aggregate classification (germline): Uncertain significance (1 of 4 stars; one submission).

Submission:

Labcorp Genetics (formerly Invitae), Labcorp
Classification: Uncertain significance. Last evaluated: 2022-09-02. Review status: criteria provided, single submitter. Criteria: Invitae Variant Classification Sherloc (09022015). Collection method: clinical testing. Allele origin: germline.
Comment: In summary, the available evidence is currently insufficient to determine the role of this variant in disease. Therefore, it has been classified as a Variant of Uncertain Significance. Algorithms developed to predict the effect of sequence changes on RNA splicing suggest that this variant may disrupt the consensus splice site. This variant has not been reported in the literature in individuals affected with SRP72-related conditions. This variant is not present in population databases (gnomAD no frequency). This sequence change affects an acceptor splice site in intron 1 of the SRP72 gene. It is expected to disrupt RNA splicing. Variants that disrupt the donor or acceptor splice site typically lead to a loss of protein function (PMID: 16199547), however the current clinical and genetic evidence is not sufficient to establish whether loss-of-function variants in SRP72 cause disease.

Literature cited by the submitters: PubMed 16199547.